The following is an entry in ClinVar:

NM_004336.5(BUB1):c.194A>T (p.Asp65Val)

Gene: BUB1 (BUB1 mitotic checkpoint serine/threonine kinase; minus strand). Cytogenetic location: 2q13.
Variant type: single nucleotide variant.
Coding change: c.194A>T on transcript NM_004336.5 (MANE Select); coding-DNA position 194, A replaced by T.
Protein change: p.Asp65Val; replaces aspartic acid 65 with valine.
Molecular consequence: missense variant.
Genome position (GRCh38, 1-based): chr2:110,674,117, T>A on the plus strand (A>T on the coding strand, the complement: BUB1 is on the minus strand). VCF-style: chr2-110674117-T-A. GRCh37 (hg19) VCF-style: chr2-111431694-T-A.
Other names: c.134A>T, p.Asp45Val (NM_001278616.2); c.194A>T, p.Asp65Val (NM_001278617.2); short protein forms D45V, D65V.
Identifiers: ClinVar variation 1783185 (VCV001783185.2), dbSNP rs2468038587, ClinGen allele CA348221136.
Genomic context (GRCh38, chr2:110,674,117, plus strand): 5'-ATTTGATTATACATCTTAAGTATACTTACAAATTTTAAACAATAACTGATGAATCTTGGG[T>A]CATTGTGGTATTTCTTCTTATCTAAAAATTCCTTCATTAAATGTTCTAGTAAAGTTATCA-3'
Protein context (NP_004327.1, residues 55-75): EFLDKKKYHN[Asp65Val]PRFISYCLKF

ClinVar aggregate classification (germline): Uncertain significance (1 of 4 stars; one submission).

Submission:

Ambry Genetics
Classification: Uncertain significance. Last evaluated: 2022-03-16. Review status: criteria provided, single submitter. Criteria: Ambry Variant Classification Scheme 2023. Collection method: clinical testing. Allele origin: germline.
Comment: The p.D65V variant (also known as c.194A>T), located in coding exon 3 of the BUB1 gene, results from an A to T substitution at nucleotide position 194. The aspartic acid at codon 65 is replaced by valine, an amino acid with highly dissimilar properties. This amino acid position is conserved. In addition, this alteration is predicted to be deleterious by in silico analysis. Since supporting evidence is limited at this time, the clinical significance of this alteration remains unclear.